The following is an entry in ClinVar:

ClinVar aggregate classification (germline): Uncertain significance (1 of 4 stars; one submission).

Submission:

GeneDx
Classification: Uncertain significance. Last evaluated: 2023-07-10. Review status: criteria provided, single submitter. Criteria: GeneDx Variant Classification Process June 2021. Collection method: clinical testing. Allele origin: germline. Affected: yes.
Comment: Not observed at significant frequency in large population cohorts (gnomAD); In silico analysis supports that this missense variant has a deleterious effect on protein structure/function; Has not been previously published as pathogenic or benign to our knowledge

NM_001257291.2(SLC9A7):c.1589C>T (p.Thr530Ile)

Gene: SLC9A7 (solute carrier family 9 member A7; minus strand). Cytogenetic location: Xp11.3.
Variant type: single nucleotide variant.
Coding change: c.1589C>T on transcript NM_001257291.2 (MANE Select); coding-DNA position 1589, C replaced by T.
Protein change: p.Thr530Ile; replaces threonine 530 with isoleucine.
Molecular consequence: missense variant.
Genome position (GRCh38, 1-based): chrX:46,643,263, G>A on the plus strand (C>T on the coding strand, the complement: SLC9A7 is on the minus strand). VCF-style: chrX-46643263-G-A. GRCh37 (hg19) VCF-style: chrX-46502698-G-A.
Other names: c.1586C>T, p.Thr529Ile (NM_032591.3); short protein forms T529I, T530I.
Identifiers: ClinVar variation 3360987 (VCV003360987.1).